The following is an entry in ClinVar:

ClinVar aggregate classification (germline): Uncertain significance (1 of 4 stars; one submission).

gnomAD v4.1: 2 of 1,612,242 alleles (0.00012%); highest among the groups gnomAD compares: Non-Finnish European, 0.00017%; no homozygotes.

Submission:

Ambry Genetics
Classification: Uncertain significance. Last evaluated: 2024-08-19. Review status: criteria provided, single submitter. Criteria: Ambry Variant Classification Scheme 2023. Collection method: clinical testing. Allele origin: germline.
Comment: The p.A58S variant (also known as c.172G>T), located in coding exon 3 of the RINT1 gene, results from a G to T substitution at nucleotide position 172. The alanine at codon 58 is replaced by serine, an amino acid with similar properties. This amino acid position is conserved. In addition, this alteration is predicted to be tolerated by in silico analysis. Based on the available evidence, the clinical significance of this variant remains unclear.

NM_021930.6(RINT1):c.172G>T (p.Ala58Ser)

Gene: RINT1 (RAD50 interactor 1; plus strand). Cytogenetic location: 7q22.3.
Variant type: single nucleotide variant.
Coding change: c.172G>T on transcript NM_021930.6 (MANE Select); coding-DNA position 172, G replaced by T.
Protein change: p.Ala58Ser; replaces alanine 58 with serine.
Molecular consequence: missense variant. On other transcripts: 5 prime UTR variant (3), non-coding transcript variant (1), intron variant (1).
Genome position (GRCh38, 1-based): chr7:105,536,648, G>T. VCF-style: chr7-105536648-G-T. GRCh37 (hg19) VCF-style: chr7-105177095-G-T.
Other names: c.-848G>T (NM_001346600.2); c.-751G>T (NM_001346601.2); c.-371G>T (NM_001346603.2); c.39+36G>T (NM_001346599.2); short protein forms A58S.
Identifiers: ClinVar variation 3433602 (VCV003433602.1).